The following is an entry in ClinVar:

ClinVar aggregate classification (germline): Uncertain significance (1 of 4 stars; one submission).

Submission:

Mayo Clinic Laboratories, Mayo Clinic
Classification: Uncertain significance. Last evaluated: 2024-07-09. Review status: criteria provided, single submitter. Criteria: ACMG Guidelines, 2015. Collection method: clinical testing. Allele origin: germline. Observed: 1 variant allele.
Comment: PVS1_strong

NM_000179.3(MSH6):c.4002-11_4009del

Gene: MSH6 (mutS homolog 6; plus strand). Cytogenetic location: 2p16.3.
Variant type: Deletion.
Coding change: c.4002-11_4009del on transcript NM_000179.3 (MANE Select); 11 bases into the intron before coding-DNA position 4002 through coding-DNA position 4009, 19 bases deleted (TTAATTTTAAGGGAAGTTT).
Molecular consequence: splice acceptor variant.
Genome position (GRCh38, 1-based): chr2:47,806,768-47,806,786, TTAATTTTAAGGGAAGTTT deleted; deleting any 19 consecutive bases within chr2:47,806,765-47,806,786 gives the same sequence; the c. name uses the placement nearest the transcript's 3' end. VCF-style (leftmost placement, unchanged base first): chr2-47806764-TTTTTTAATTTTAAGGGAAG-T. GRCh37 (hg19) VCF-style: chr2-48033903-TTTTTTAATTTTAAGGGAAG-T.
Other names: p.Glu1335Profs*3; c.4002-11_4009del (NM_001406809.1, NM_001406796.1); c.3096-11_3103del (NM_001406811.1, NM_001406814.1, NM_001281493.2 and 6 more transcripts); c.3705-11_3712del (NM_001406805.1, NM_001406797.1, NM_001406818.1 and 8 more transcripts); c.4098-11_4105del (NM_001406795.1); c.3898-11_3905del (NM_001406802.1); c.4008-11_4015del (NM_001406813.1); c.3477-11_3484del (NM_001406807.1, NM_001406799.1, NM_001406806.1); and 12 more.
Identifiers: ClinVar variation 3380810 (VCV003380810.1).